The following is an entry in ClinVar:

ClinVar aggregate classification (germline): Pathogenic. Review status: criteria provided, multiple submitters, no conflicts (2 of 4 stars). 2 submissions from 2 submitters: Pathogenic (2). Last evaluated 2021-09-29.

Conditions:
MYBPC3-related disorder. Also called: MYBPC3-related disorders; MYBPC3-related condition; MYBPC3-related disease.
Hypertrophic cardiomyopathy. Also called: HYPERTROPHIC MYOCARDIOPATHY. Identifiers: Orphanet 217569, MedGen C0007194, MeSH D002312, MONDO:0005045, HP:0001639.

Submissions (2):

Blueprint Genetics
Classification: Pathogenic for MYBPC3-related disorders. Last evaluated: 2021-09-29. Review status: criteria provided, single submitter. Criteria: ACMG Guidelines, 2015. Collection method: clinical testing. Allele origin: germline. Affected: yes. Observed: 4 variant alleles.

Laboratory for Molecular Medicine, Mass General Brigham Personalized Medicine
Classification: Pathogenic for Hypertrophic cardiomyopathy. Last evaluated: 2015-04-09. Review status: criteria provided, single submitter. Criteria: LMM Criteria. Collection method: clinical testing. Allele origin: germline. Inheritance: Autosomal dominant inheritance. Observed: 6 variant alleles.
Comment: The p.Phe621fs variant in MYBPC3 has been identified by our laboratory in 2 adul ts with HCM and segregated with disease in 1 affected family member. It was abse nt from large population studies (dbSNP rs397515931). This frameshift variant is predicted to alter the protein's amino acid sequence beginning at position 621 and lead to a premature termination codon 42 amino acids downstream. This altera tion is then predicted to lead to a truncated or absent protein. Heterozygous lo ss of MYBPC3 function is an established disease mechanism in HCM. In summary, th is variant meets our criteria to be classified as pathogenic (s.org/personalizedmedicine/LMM) for HCM in an autosomal dominant manner based up on the predicted impact of the variant and absence from controls.

NM_000256.3(MYBPC3):c.1863del (p.Phe621fs)

Gene: MYBPC3 (myosin binding protein C3; minus strand). Cytogenetic location: 11p11.2.
Variant type: Deletion.
Coding change: c.1863del on transcript NM_000256.3 (MANE Select); coding-DNA position 1863, one base deleted (C; older notation c.1863delC).
Protein change: p.Phe621fs; shifts the reading frame from phenylalanine 621.
Molecular consequence: frameshift variant.
Genome position (GRCh38, 1-based): chr11:47,341,172, G deleted on the plus strand (C on the coding strand, the reverse complement: MYBPC3 is on the minus strand). VCF-style (leftmost placement, unchanged base first): chr11-47341171-CG-C. GRCh37 (hg19) VCF-style: chr11-47362722-CG-C.
Other names: c.1863delC (NM_000256.3); c.1863del, p.Phe621fs (LRG_386t1); short protein forms F621fs.
Identifiers: ClinVar variation 42578 (VCV000042578.5), dbSNP rs397515931, ClinGen allele CA011363.
Genomic context (GRCh38, chr11:47,341,171, plus strand): 5'-ACCCACCCTACCCTGGAGCAGGCTCACCCATGAAGTGGAGCTTGGCTGACAGGTTGCAGG[CG>C]AAGCCCTCGGGCACAAAGCTGTAGTCAGCCTCGTCGGCAGGTGTGACGTCGTCAATGGTC-3'